The following is an entry in ClinVar:

ClinVar aggregate classification (germline): Conflicting classifications of pathogenicity. Review status: criteria provided, conflicting classifications (1 of 4 stars). 2 submissions from 2 submitters: Likely pathogenic (1); Uncertain significance (1). Last evaluated 2024-03-28.

Conditions:
Joubert syndrome 23 (JBTS23). Identifiers: Orphanet 475, MedGen C4084822, MONDO:0014664, OMIM 616490.
Short-rib thoracic dysplasia 14 with polydactyly (SRTD14). Identifiers: Orphanet 397715, MedGen C4225286, MONDO:0014688, OMIM 616546.

Allele frequency attached by ClinVar (database versions not stated): gnomAD 0.00001; gnomAD exomes 0.00001 and 0.00002; TOPMed 0.00001; ExAC 0.00008; ESP Exome Variant Server 0.00008.
gnomAD v4.1: 16 of 1,433,062 alleles (0.0011%); highest among the groups gnomAD compares: Non-Finnish European, 0.0015%; no homozygotes.

Submissions (2):

Labcorp Genetics (formerly Invitae), Labcorp
Classification: Likely pathogenic for Joubert syndrome 23; Short-rib thoracic dysplasia 14 with polydactyly. Last evaluated: 2024-03-28. Review status: criteria provided, single submitter. Criteria: Invitae Variant Classification Sherloc (09022015). Collection method: clinical testing. Allele origin: germline.
Comment: This sequence change falls in intron 22 of the KIAA0586 gene. It does not directly change the encoded amino acid sequence of the KIAA0586 protein. It affects a nucleotide within the consensus splice site. This variant is present in population databases (rs372841738, gnomAD 0.003%). This variant has been observed in individual(s) with Joubert syndrome (Invitae). In at least one individual the data is consistent with being in trans (on the opposite chromosome) from a pathogenic variant. It has also been observed to segregate with disease in related individuals. ClinVar contains an entry for this variant (Variation ID: 475446). Variants that disrupt the consensus splice site are a relatively common cause of aberrant splicing (PMID: 17576681, 9536098). Algorithms developed to predict the effect of sequence changes on RNA splicing suggest that this variant may disrupt the consensus splice site. In summary, the currently available evidence indicates that the variant is pathogenic, but additional data are needed to prove that conclusively. Therefore, this variant has been classified as Likely Pathogenic.

GeneDx
Classification: Uncertain significance. Last evaluated: 2023-10-20. Review status: criteria provided, single submitter. Criteria: GeneDx Variant Classification Process June 2021. Collection method: clinical testing. Allele origin: germline. Affected: yes.
Comment: In-silico analysis is inconclusive as to whether the variant alters gene splicing. In the absence of RNA/functional studies, the actual effect of this sequence change is unknown.; Has not been previously published as pathogenic or benign to our knowledge

Literature cited by the submitters: PubMed 17576681 (cited by Labcorp Genetics (formerly Invitae), Labcorp); PubMed 9536098 (cited by Labcorp Genetics (formerly Invitae), Labcorp).

NM_001329943.3(KIAA0586):c.2944+4A>C

Gene: KIAA0586 (KIAA0586; plus strand). Cytogenetic location: 14q23.1.
Variant type: single nucleotide variant.
Coding change: c.2944+4A>C on transcript NM_001329943.3 (MANE Select); 4 bases into the intron after coding-DNA position 2944, A replaced by C.
Molecular consequence: intron variant.
Genome position (GRCh38, 1-based): chr14:58,477,245, A>C. VCF-style: chr14-58477245-A-C. GRCh37 (hg19) VCF-style: chr14-58943963-A-C.
Other names: c.3103+4A>C (NM_001244189.2); c.2899+4A>C (NM_001244190.2); c.2812+4A>C (NM_001244192.2); c.2689+4A>C (NM_001244191.2, NM_001364701.2, NM_001329945.2 and 1 more transcripts); c.2944+4A>C (NM_001329944.2, NM_001329946.2, NM_001329947.2); c.2716+4A>C (NM_014749.5); c.2524+4A>C (NM_001244193.2).
Identifiers: ClinVar variation 475446 (VCV000475446.11), dbSNP rs372841738, ClinGen allele CA7206009.